The following is an entry in ClinVar:

ClinVar aggregate classification (germline): Uncertain significance (1 of 4 stars; one submission).

Conditions:
PAX4-related disorder. Also called: PAX4-related condition.

Allele frequency attached by ClinVar (database versions not stated): gnomAD exomes below 0.00001.

Submission:

PreventionGenetics, part of Exact Sciences
Classification: Uncertain significance for PAX4-related condition. Last evaluated: 2023-09-05. Review status: criteria provided, single submitter. Criteria: ACMG Guidelines, 2015. Collection method: clinical testing. Allele origin: germline.
Comment: The PAX4 c.29A>C variant is predicted to result in the amino acid substitution p.Asn10Thr. To our knowledge, this variant has not been reported in the literature or in a large population database, indicating this variant is rare. At this time, the clinical significance of this variant is uncertain due to the absence of conclusive functional and genetic evidence.

NM_001366110.1(PAX4):c.53A>C (p.Asn18Thr)

Gene: PAX4 (paired box 4; minus strand). Cytogenetic location: 7q32.1.
Variant type: single nucleotide variant.
Coding change: c.53A>C on transcript NM_001366110.1 (MANE Select); coding-DNA position 53, A replaced by C.
Protein change: p.Asn18Thr; replaces asparagine 18 with threonine.
Molecular consequence: missense variant.
Genome position (GRCh38, 1-based): chr7:127,615,492, T>G on the plus strand (A>C on the coding strand, the complement: PAX4 is on the minus strand). VCF-style: chr7-127615492-T-G. GRCh37 (hg19) VCF-style: chr7-127255546-T-G.
Other names: NM_006193.2:c.29A>C; c.53A>C, p.Asn18Thr (NM_001366111.1); short protein forms N18T.
Identifiers: ClinVar variation 2636413 (VCV002636413.1), dbSNP rs963996956, ClinGen allele CA166114664.